The following is an entry in ClinVar:

NM_007259.5(VPS45):c.319G>A (p.Val107Met)

Gene: VPS45 (vacuolar protein sorting 45 homolog; plus strand). Cytogenetic location: 1q21.2.
Variant type: single nucleotide variant.
Coding change: c.319G>A on transcript NM_007259.5 (MANE Select); coding-DNA position 319, G replaced by A.
Protein change: p.Val107Met; replaces valine 107 with methionine.
Molecular consequence: missense variant. On other transcripts: non-coding transcript variant (1).
Genome position (GRCh38, 1-based): chr1:150,076,262, G>A. VCF-style: chr1-150076262-G-A. GRCh37 (hg19) VCF-style: chr1-150048340-G-A.
Other names: c.211G>A, p.Val71Met (NM_001279353.2, NM_001279354.2); short protein forms V71M, V107M.
Identifiers: ClinVar variation 639607 (VCV000639607.8), dbSNP rs782553177, ClinGen allele CA1073109.

ClinVar aggregate classification (germline): Uncertain significance. Review status: criteria provided, single submitter (1 of 4 stars). 2 submissions from 2 submitters: Uncertain significance (1). 1 of the submissions does not count toward it. Last evaluated 2025-04-30.

Conditions:
Congenital neutropenia-myelofibrosis-nephromegaly syndrome. Also called: Severe congenital neutropenia 5, autosomal recessive. Identifiers: Orphanet 369852, MedGen C3809031, MONDO:0014118, OMIM 615285.

Allele frequency attached by ClinVar (database versions not stated): ExAC 0.00003; gnomAD exomes 0.00004; TOPMed 0.00004.
gnomAD v4.1: 29 of 1,607,850 alleles (0.0018%); highest among the groups gnomAD compares: Admixed American, 0.012%; no homozygotes.

Submissions (2):

Labcorp Genetics (formerly Invitae), Labcorp
Classification: Uncertain significance for Congenital neutropenia-myelofibrosis-nephromegaly syndrome. Last evaluated: 2025-04-30. Review status: criteria provided, single submitter. Criteria: Invitae Variant Classification Sherloc (09022015). Collection method: clinical testing. Allele origin: germline.
Comment: This sequence change replaces valine, which is neutral and non-polar, with methionine, which is neutral and non-polar, at codon 107 of the VPS45 protein (p.Val107Met). This variant is present in population databases (rs782553177, gnomAD 0.02%). This variant has not been reported in the literature in individuals affected with VPS45-related conditions. ClinVar contains an entry for this variant (Variation ID: 639607). Invitae Evidence Modeling of protein sequence and biophysical properties (such as structural, functional, and spatial information, amino acid conservation, physicochemical variation, residue mobility, and thermodynamic stability) indicates that this missense variant is not expected to disrupt VPS45 protein function with a negative predictive value of 80%. In summary, the available evidence is currently insufficient to determine the role of this variant in disease. Therefore, it has been classified as a Variant of Uncertain Significance.

Natera, Inc.
Classification: Uncertain significance for Autosomal recessive severe congenital neutropenia 5. Last evaluated: 2020-09-01. Review status: no assertion criteria provided. Collection method: clinical testing. Allele origin: germline. Not counted in ClinVar's aggregate classification.